The following is an entry in ClinVar:

NM_004369.4(COL6A3):c.415G>A (p.Gly139Ser)

Gene: COL6A3 (collagen type VI alpha 3 chain; minus strand). Cytogenetic location: 2q37.3.
Variant type: single nucleotide variant.
Coding change: c.415G>A on transcript NM_004369.4 (MANE Select); coding-DNA position 415, G replaced by A.
Protein change: p.Gly139Ser; replaces glycine 139 with serine.
Molecular consequence: missense variant. On other transcripts: intron variant (4).
Genome position (GRCh38, 1-based): chr2:237,394,881, C>T on the plus strand (G>A on the coding strand, the complement: COL6A3 is on the minus strand). VCF-style: chr2-237394881-C-T. GRCh37 (hg19) VCF-style: chr2-238303524-C-T.
Other names: c.91+1846G>A (NM_057166.5, NM_057167.4, NM_057164.5 and 1 more transcripts); short protein forms G139S.
Identifiers: ClinVar variation 290017 (VCV000290017.9), dbSNP rs749386499, ClinGen allele CA2189873.

ClinVar aggregate classification (germline): Conflicting classifications of pathogenicity. Review status: criteria provided, conflicting classifications (1 of 4 stars). 3 submissions from 3 submitters: Uncertain significance (2); Likely benign (1). Last evaluated 2024-02-16.

Conditions:
Bethlem myopathy 1A. Also called: Bethlem Muscular Dystrophy; MYOPATHY, BENIGN CONGENITAL, WITH CONTRACTURES; Bethlem myopathy 1. Identifiers: Orphanet 610, MedGen CN029274, MONDO:0024530, OMIM 158810.

Allele frequency attached by ClinVar (database versions not stated): gnomAD 0.00001; gnomAD exomes 0.00001; TOPMed 0.00001; ExAC 0.00002.
gnomAD v4.1: 18 of 1,611,584 alleles (0.0011%); highest among the groups gnomAD compares: East Asian, 0.0089%; no homozygotes.

Submissions (3):

Labcorp Genetics (formerly Invitae), Labcorp
Classification: Likely benign for Bethlem myopathy 1A. Last evaluated: 2024-02-16. Review status: criteria provided, single submitter. Criteria: Invitae Variant Classification Sherloc (09022015). Collection method: clinical testing. Allele origin: germline.

GeneDx
Classification: Uncertain significance. Last evaluated: 2022-04-13. Review status: criteria provided, single submitter. Criteria: GeneDx Variant Classification Process June 2021. Collection method: clinical testing. Allele origin: germline. Affected: yes.
Comment: Reported in a patient with early onset dystonia; however, an additional potentially disease-causing variant was identified (Xu et al., 2020); In silico analysis supports that this missense variant does not alter protein structure/function; Not observed at significant frequency in large population cohorts (gnomAD); This variant is associated with the following publications: (PMID: 30564623, 32243914)

Eurofins Ntd Llc (ga)
Classification: Uncertain significance. Last evaluated: 2016-08-04. Review status: criteria provided, single submitter. Criteria: EGL Classification Definitions 2015. Collection method: clinical testing. Allele origin: germline. Observed: 2 variant alleles, 2 heterozygotes.